The following is an entry in ClinVar:

ClinVar aggregate classification (germline): Uncertain significance. Review status: criteria provided, multiple submitters, no conflicts (2 of 4 stars). 3 submissions from 3 submitters: Uncertain significance (3). Last evaluated 2025-08-22.

Conditions:
Hereditary cancer-predisposing syndrome. Also called: Hereditary Cancer Syndrome; Neoplastic Syndromes, Hereditary; Tumor predisposition; Hereditary neoplastic syndrome. Identifiers: Orphanet 140162, MedGen C0027672, MeSH D009386, MONDO:0015356.
Rhabdoid tumor predisposition syndrome 2 (RTPS2). Identifiers: Orphanet 231108, Orphanet 69077, MedGen C2750074, MONDO:0013224, OMIM 613325.

Submissions (3):

Ambry Genetics
Classification: Uncertain significance for Hereditary cancer-predisposing syndrome. Last evaluated: 2025-08-22. Review status: criteria provided, single submitter. Criteria: Ambry Variant Classification Scheme 2023. Collection method: clinical testing. Allele origin: germline.
Comment: The p.A703T variant (also known as c.2107G>A), located in coding exon 13 of the SMARCA4 gene, results from a G to A substitution at nucleotide position 2107. The alanine at codon 703 is replaced by threonine, an amino acid with similar properties. This amino acid position is well conserved in available vertebrate species. In addition, the in silico prediction for this alteration is inconclusive. Based on the available evidence, the clinical significance of this variant remains unclear.

Labcorp Genetics (formerly Invitae), Labcorp
Classification: Uncertain significance for Rhabdoid tumor predisposition syndrome 2. Last evaluated: 2025-03-04. Review status: criteria provided, single submitter. Criteria: Invitae Variant Classification Sherloc (09022015). Collection method: clinical testing. Allele origin: germline.
Comment: This sequence change replaces alanine, which is neutral and non-polar, with threonine, which is neutral and polar, at codon 703 of the SMARCA4 protein (p.Ala703Thr). This variant is not present in population databases (gnomAD no frequency). This variant has not been reported in the literature in individuals affected with SMARCA4-related conditions. ClinVar contains an entry for this variant (Variation ID: 480669). Invitae Evidence Modeling of protein sequence and biophysical properties (such as structural, functional, and spatial information, amino acid conservation, physicochemical variation, residue mobility, and thermodynamic stability) indicates that this missense variant is not expected to disrupt SMARCA4 protein function with a negative predictive value of 95%. In summary, the available evidence is currently insufficient to determine the role of this variant in disease. Therefore, it has been classified as a Variant of Uncertain Significance.

GeneDx
Classification: Uncertain significance. Last evaluated: 2025-01-15. Review status: criteria provided, single submitter. Criteria: GeneDx Variant Classification Process June 2021. Collection method: clinical testing. Allele origin: germline. Affected: yes.
Comment: Not observed at significant frequency in large population cohorts (gnomAD); In silico analysis indicates that this missense variant does not alter protein structure/function; Has not been previously published as pathogenic or benign to our knowledge

NM_003072.5(SMARCA4):c.2107G>A (p.Ala703Thr)

Gene: SMARCA4 (SWI/SNF related BAF chromatin remodeling complex subunit ATPase 4; plus strand). Cytogenetic location: 19p13.2.
Variant type: single nucleotide variant.
Coding change: c.2107G>A on transcript NM_003072.5 (MANE Select); coding-DNA position 2107, G replaced by A.
Protein change: p.Ala703Thr; replaces alanine 703 with threonine.
Molecular consequence: missense variant. On other transcripts: non-coding transcript variant (1).
Genome position (GRCh38, 1-based): chr19:11,008,007, G>A. VCF-style: chr19-11008007-G-A. GRCh37 (hg19) VCF-style: chr19-11118683-G-A.
Other names: c.2107G>A, p.Ala703Thr (NM_001128844.3, NM_001128845.2, NM_001128846.2 and 5 more transcripts); short protein forms A703T.
Identifiers: ClinVar variation 480669 (VCV000480669.15), dbSNP rs1555771662, ClinGen allele CA404052596.